The following is an entry in ClinVar:

ClinVar aggregate classification (germline): Uncertain significance (1 of 4 stars; one submission).

Conditions:
Hypertrophic cardiomyopathy. Also called: HYPERTROPHIC MYOCARDIOPATHY. Identifiers: Orphanet 217569, MedGen C0007194, MeSH D002312, MONDO:0005045, HP:0001639.

Submission:

Labcorp Genetics (formerly Invitae), Labcorp
Classification: Uncertain significance for Hypertrophic cardiomyopathy. Last evaluated: 2025-08-28. Review status: criteria provided, single submitter. Criteria: Invitae Variant Classification Sherloc (09022015). Collection method: clinical testing. Allele origin: germline.
Comment: This sequence change creates a premature translational stop signal (p.Gln111Profs*7) in the TPM1 gene. It is expected to result in an absent or disrupted protein product. However, the current clinical and genetic evidence is not sufficient to establish whether loss-of-function variants in TPM1 cause disease. This variant is not present in population databases (gnomAD no frequency). This variant has not been reported in the literature in individuals affected with TPM1-related conditions. In summary, the available evidence is currently insufficient to determine the role of this variant in disease. Therefore, it has been classified as a Variant of Uncertain Significance.

NM_001018005.2(TPM1):c.331dup (p.Gln111fs)

Gene: TPM1 (tropomyosin 1; plus strand). Cytogenetic location: 15q22.2.
Variant type: Duplication.
Coding change: c.331dup on transcript NM_001018005.2 (MANE Select); coding-DNA position 331, one base duplicated (C; older notation c.331dupC).
Protein change: p.Gln111fs; shifts the reading frame from glutamine 111.
Molecular consequence: frameshift variant. On other transcripts: non-coding transcript variant (17).
Genome position (GRCh38, 1-based): chr15:63,057,075, C duplicated. VCF-style (leftmost placement, unchanged base first): chr15-63057074-G-GC. GRCh37 (hg19) VCF-style: chr15-63349273-G-GC.
Other names: c.331dup, p.Gln111fs (NM_001018007.2, NM_001018020.2, NM_001301244.2 and 20 more transcripts); c.223dup, p.Gln75fs (NM_001018008.2, NM_001301289.2, NM_001330344.2 and 9 more transcripts); c.457dup, p.Gln153fs (NM_001365778.1, NM_001407322.1, NM_001407323.1 and 1 more transcripts); short protein forms Q111fs, Q75fs, Q153fs.
Identifiers: ClinVar variation 4702571 (VCV004702571.1).